The following is an entry in ClinVar:

ClinVar aggregate classification (germline): Uncertain significance (1 of 4 stars; one submission).

Conditions:
Meier-Gorlin syndrome 1 (MGORS1). Also called: EAR, PATELLA, SHORT STATURE SYNDROME. Identifiers: Orphanet 2554, MedGen C4552001, MONDO:0009143, OMIM 224690.

Allele frequency attached by ClinVar (database versions not stated): ExAC 0.00001; gnomAD 0.00001; TOPMed 0.00001; gnomAD exomes 0.00002.
gnomAD v4.1: 37 of 1,614,074 alleles (0.0023%); highest among the groups gnomAD compares: Non-Finnish European, 0.0031%; no homozygotes.

Submission:

Labcorp Genetics (formerly Invitae), Labcorp
Classification: Uncertain significance. Last evaluated: 2022-06-26. Review status: criteria provided, single submitter. Criteria: Invitae Variant Classification Sherloc (09022015). Collection method: clinical testing. Allele origin: germline.
Comment: In summary, the available evidence is currently insufficient to determine the role of this variant in disease. Therefore, it has been classified as a Variant of Uncertain Significance. Algorithms developed to predict the effect of missense changes on protein structure and function are either unavailable or do not agree on the potential impact of this missense change (SIFT: "Tolerated"; PolyPhen-2: "Possibly Damaging"; Align-GVGD: "Class C15"). This variant has not been reported in the literature in individuals affected with ORC1-related conditions. This variant is present in population databases (rs751576918, gnomAD 0.0009%). This sequence change replaces glutamic acid, which is acidic and polar, with aspartic acid, which is acidic and polar, at codon 835 of the ORC1 protein (p.Glu835Asp).

NM_004153.4(ORC1):c.2505G>T (p.Glu835Asp)

Gene: ORC1 (origin recognition complex subunit 1; minus strand). Cytogenetic location: 1p32.3.
Variant type: single nucleotide variant.
Coding change: c.2505G>T on transcript NM_004153.4 (MANE Select); coding-DNA position 2505, G replaced by T.
Protein change: p.Glu835Asp; replaces glutamic acid 835 with aspartic acid.
Molecular consequence: missense variant.
Genome position (GRCh38, 1-based): chr1:52,373,262, C>A on the plus strand (G>T on the coding strand, the complement: ORC1 is on the minus strand). VCF-style: chr1-52373262-C-A. GRCh37 (hg19) VCF-style: chr1-52838934-C-A.
Other names: c.2505G>T (NM_004153.3); c.2505G>T, p.Glu835Asp (NM_001190818.2); c.2490G>T, p.Glu830Asp (NM_001190819.2); short protein forms E830D, E835D.
Identifiers: ClinVar variation 1990525 (VCV001990525.5), dbSNP rs751576918, ClinGen allele CA853005.